The following is an entry in ClinVar:

ClinVar aggregate classification (germline): Uncertain significance. Review status: criteria provided, multiple submitters, no conflicts (2 of 4 stars). 2 submissions from 2 submitters: Uncertain significance (2). Last evaluated 2023-02-05.

Conditions:
LAMA2-related muscular dystrophy (LAMA2-RD). Also called: Laminin alpha 2-related dystrophy. Identifiers: MedGen C5679788, MONDO:0100228.

Allele frequency attached by ClinVar (database versions not stated): gnomAD exomes 0.00003 and 0.00008; TOPMed 0.00003; ExAC 0.00005; gnomAD 0.00005.
gnomAD v4.1: 116 of 1,613,946 alleles (0.0072%); highest among the groups gnomAD compares: Non-Finnish European, 0.0093%; 1 homozygote.

Submissions (2):

Revvity Omics, Revvity
Classification: Uncertain significance. Last evaluated: 2023-02-05. Review status: criteria provided, single submitter. Criteria: ACMG Guidelines, 2015. Collection method: clinical testing. Allele origin: germline.

Labcorp Genetics (formerly Invitae), Labcorp
Classification: Uncertain significance for LAMA2-related muscular dystrophy. Last evaluated: 2022-07-12. Review status: criteria provided, single submitter. Criteria: Invitae Variant Classification Sherloc (09022015). Collection method: clinical testing. Allele origin: germline.
Comment: This sequence change replaces proline, which is neutral and non-polar, with histidine, which is basic and polar, at codon 1232 of the LAMA2 protein (p.Pro1232His). This variant is present in population databases (rs745866291, gnomAD 0.008%). This missense change has been observed in individual(s) with clinical features of LAMA2-related conditions (PMID: 31983221). ClinVar contains an entry for this variant (Variation ID: 652139). Advanced modeling of protein sequence and biophysical properties (such as structural, functional, and spatial information, amino acid conservation, physicochemical variation, residue mobility, and thermodynamic stability) performed at Invitae indicates that this missense variant is not expected to disrupt LAMA2 protein function. In summary, the available evidence is currently insufficient to determine the role of this variant in disease. Therefore, it has been classified as a Variant of Uncertain Significance.

Literature cited by the submitters: PubMed 31983221 (cited by Labcorp Genetics (formerly Invitae), Labcorp).

NM_000426.4(LAMA2):c.3695C>A (p.Pro1232His)

Gene: LAMA2 (laminin subunit alpha 2; plus strand). Cytogenetic location: 6q22.33.
Variant type: single nucleotide variant.
Coding change: c.3695C>A on transcript NM_000426.4 (MANE Select); coding-DNA position 3695, C replaced by A.
Protein change: p.Pro1232His; replaces proline 1232 with histidine.
Molecular consequence: missense variant.
Genome position (GRCh38, 1-based): chr6:129,315,615, C>A. VCF-style: chr6-129315615-C-A. GRCh37 (hg19) VCF-style: chr6-129636760-C-A.
Other names: c.3695C>A, p.Pro1232His (NM_001079823.2); short protein forms P1232H.
Identifiers: ClinVar variation 652139 (VCV000652139.5), dbSNP rs745866291, ClinGen allele CA3993333.
Genomic context (GRCh38, chr6:129,315,615, plus strand): 5'-TTCAACATCCAGAGATTGTTGCCCACATGGACCTGATGAGAGAAGATCTCCATTTGGAAC[C>A]TTTTTATTGGAAACTTCCAGAACAATTTGAAGGAAAGAAGGTAAGCACAAGAACTTTAAT-3'
Protein context (NP_000417.3, residues 1222-1242): DLMREDLHLE[Pro1232His]FYWKLPEQFE